The following is an entry in ClinVar:

NM_000202.8(IDS):c.234T>C (p.Phe78=)

Gene: IDS (iduronate 2-sulfatase; minus strand). Cytogenetic location: Xq28.
Variant type: single nucleotide variant.
Coding change: c.234T>C on transcript NM_000202.8 (MANE Select); coding-DNA position 234, T replaced by C.
Protein change: p.Phe78=; no amino-acid change (phenylalanine 78 retained).
Molecular consequence: synonymous variant. On other transcripts: missense variant (1), non-coding transcript variant (1).
Genome position (GRCh38, 1-based): chrX:149,504,163, A>G on the plus strand (T>C on the coding strand, the complement: IDS is on the minus strand). VCF-style: chrX-149504163-A-G. GRCh37 (hg19) VCF-style: chrX-148585693-A-G.
Other names: c.8T>C, p.Leu3Ser (NM_001166550.4); c.234T>C, p.Phe78= (NM_006123.5); c.234T>C (NM_000202.5); short protein forms L3S.
Identifiers: ClinVar variation 707989 (VCV000707989.36), dbSNP rs782290556, ClinGen allele CA10537722.

ClinVar aggregate classification (germline): Benign/Likely benign. Review status: criteria provided, multiple submitters, no conflicts (2 of 4 stars). 4 submissions from 4 submitters: Benign (1); Likely benign (2). 1 of the submissions does not count toward it. Last evaluated 2026-01-20.

Conditions:
Mucopolysaccharidosis, MPS-III-A (MPS3A). Also called: MPS III A; SANFILIPPO SYNDROME A; SULFAMIDASE DEFICIENCY; Mucopolysaccharidosis type IIIA (Sanfilippo A); mucopolysaccharidosis type 3A; MPS IIIA (Sanfilippo Syndrome Type A). Identifiers: Orphanet 581, Orphanet 79269, MedGen C0086647, MONDO:0009655, OMIM 252900.
Inborn genetic diseases. Identifiers: MedGen C0950123, MeSH D030342.
Mucopolysaccharidosis, MPS-II (MPS2). Also called: Attenuated MPS (subtype; formerly known as mild MPS II); Severe MPS II; I2S deficiency; MPS 2; Hunter Syndrome; IDURONATE 2-SULFATASE DEFICIENCY. Identifiers: Orphanet 580, Orphanet 79388, MedGen C0026705, MONDO:0010674, OMIM 309900.

Allele frequency attached by ClinVar (database versions not stated): gnomAD exomes 0.00002 and 0.00004; ExAC 0.00006; gnomAD 0.00006 and 0.00009; TOPMed 0.00012.

Submissions (4):

Labcorp Genetics (formerly Invitae), Labcorp
Classification: Benign for Mucopolysaccharidosis, MPS-II. Last evaluated: 2026-01-20. Review status: criteria provided, single submitter. Criteria: Invitae Variant Classification Sherloc (09022015). Collection method: clinical testing. Allele origin: germline.

Ambry Genetics
Classification: Likely benign for Inborn genetic diseases. Last evaluated: 2024-03-04. Review status: criteria provided, single submitter. Criteria: Ambry Variant Classification Scheme 2023. Collection method: clinical testing. Allele origin: germline.

CeGaT Center for Human Genetics Tuebingen
Classification: Likely benign. Last evaluated: 2023-03-01. Review status: criteria provided, single submitter. Criteria: CeGaT Center For Human Genetics Tuebingen Variant Classification Criteria Version 2. Collection method: clinical testing. Allele origin: germline. Affected: yes. Observed: 1 variant allele.
Comment: IDS: BP4, BS2

Natera, Inc.
Classification: Likely benign for Mucopolysaccharidosis type IIIA. Last evaluated: 2021-02-21. Review status: no assertion criteria provided. Collection method: clinical testing. Allele origin: germline. Not counted in ClinVar's aggregate classification.